The following is an entry in ClinVar:

NM_006846.4(SPINK5):c.2474_2475del (p.Glu825fs)

Gene: SPINK5 (serine peptidase inhibitor Kazal type 5; plus strand). Cytogenetic location: 5q32.
Variant type: Microsatellite.
Coding change: c.2474_2475del on transcript NM_006846.4 (MANE Select); coding-DNA positions 2474 to 2475, 2 bases deleted (AG; older notation c.2474_2475delAG).
Protein change: p.Glu825fs; shifts the reading frame from glutamic acid 825.
Molecular consequence: frameshift variant.
Genome position (GRCh38, 1-based): chr5:148,120,327-148,120,328, AG deleted; deleting any 2 consecutive bases within chr5:148,120,325-148,120,328 gives the same sequence; the c. name uses the placement nearest the transcript's 3' end. VCF-style (leftmost placement, unchanged base first): chr5-148120324-AAG-A. GRCh37 (hg19) VCF-style: chr5-147499887-AAG-A.
Other names: c.2474_2475del, p.Glu825fs (NM_001127698.2, NM_001127699.2); c.2472_2473AG[1], p.Glu825Glyfs (NM_006846.3); c.2474_2475del (NM_006846.3); short protein forms E825fs.
Identifiers: ClinVar variation 3338866 (VCV003338866.3).

ClinVar aggregate classification (germline): Pathogenic. Review status: criteria provided, multiple submitters, no conflicts (2 of 4 stars). 2 submissions from 2 submitters: Pathogenic (2). Last evaluated 2024-01-07.

Conditions:
Netherton syndrome (NETH). Also called: ERYTHRODERMA, ICHTHYOSIFORM, WITH HYPOTRICHOSIS AND HYPER-IgE; COMEL-NETHERTON SYNDROME; NETHERTON DISEASE. Identifiers: Orphanet 634, MedGen C5574950, MONDO:0009735, OMIM 256500.

Submissions (2):

GeneDx
Classification: Pathogenic. Last evaluated: 2024-01-07. Review status: criteria provided, single submitter. Criteria: GeneDx Variant Classification Process June 2021. Collection method: clinical testing. Allele origin: germline. Affected: yes.
Comment: Frameshift variant predicted to result in protein truncation or nonsense mediated decay in a gene for which loss of function is a known mechanism of disease; Not observed at significant frequency in large population cohorts (gnomAD); This variant is associated with the following publications: (PMID: 19683336, 36165187, 36159989, 30138938, 31953843)

Juno Genomics, Hangzhou Juno Genomics, Inc
Classification: Pathogenic for Netherton syndrome. Review status: criteria provided, single submitter. Criteria: ACMG Guidelines, 2015. Collection method: clinical testing. Allele origin: germline.
Comment: Absent from controls (or at extremely low frequency if recessive) in Genome Aggregation Database.;Null variant in a gene where loss of function (LOF) is a known mechanism of disease.;For recessive disorders, detected in trans with a pathogenic variant.